The following is an entry in ClinVar:

ClinVar aggregate classification (germline): Uncertain significance (1 of 4 stars; one submission).

Submission:

CeGaT Center for Human Genetics Tuebingen
Classification: Uncertain significance. Last evaluated: 2024-10-01. Review status: criteria provided, single submitter. Criteria: CeGaT Center For Human Genetics Tuebingen Variant Classification Criteria Version 2. Collection method: clinical testing. Allele origin: germline. Affected: yes. Observed: 1 variant allele.
Comment: TTN: PM2, PM4

NM_001267550.2(TTN):c.9734_9739del (p.Leu3245_Gln3246del)

Gene: TTN (titin; minus strand). Cytogenetic location: 2q31.2.
Variant type: Deletion.
Coding change: c.9734_9739del on transcript NM_001267550.2 (MANE Select); coding-DNA positions 9734 to 9739, 6 bases deleted (TCCAGC; older notation c.9734_9739delTCCAGC).
Protein change: p.Leu3245_Gln3246del.
Molecular consequence: inframe deletion.
Genome position (GRCh38, 1-based): chr2:178,764,776-178,764,781, GCTGGA deleted on the plus strand (TCCAGC on the coding strand, the reverse complement: TTN is on the minus strand); deleting any 6 consecutive bases within chr2:178,764,776-178,764,784 gives the same sequence; the c. name uses the placement nearest the transcript's 3' end. VCF-style (leftmost placement, unchanged base first): chr2-178764775-GGCTGGA-G. GRCh37 (hg19) VCF-style: chr2-179629502-GGCTGGA-G.
Other names: c.9734_9739del, p.Leu3245_Gln3246del (NM_001256850.1, NM_133378.4, NM_133379.5); c.9596_9601del, p.Leu3199_Gln3200del (NM_003319.4, NM_133432.3, NM_133437.4).
Identifiers: ClinVar variation 3389424 (VCV003389424.14).
Genomic context (GRCh38, chr2:178,764,775, plus strand): 5'-TGTGGTCTTCCGGATATCACGGCACAGAAGCGGGCAGGCTTGCCAGACTGCACAGTGACA[GGCTGGA>G]GCTCCTGCAGAACTTGGGGCGGTTCAGGAGCTAGGAGTAAATGTTGACAAATAGCCCATG-3'